The following is an entry in ClinVar:

ClinVar aggregate classification (germline): Uncertain significance (1 of 4 stars; one submission).

Conditions:
Bethlem myopathy 1A. Also called: MYOPATHY, BENIGN CONGENITAL, WITH CONTRACTURES; Bethlem myopathy 1; Bethlem Muscular Dystrophy. Identifiers: Orphanet 610, MedGen CN029274, MONDO:0024530, OMIM 158810.

Submission:

Labcorp Genetics (formerly Invitae), Labcorp
Classification: Uncertain significance for Bethlem myopathy 1A. Last evaluated: 2024-02-24. Review status: criteria provided, single submitter. Criteria: Invitae Variant Classification Sherloc (09022015). Collection method: clinical testing. Allele origin: germline.
Comment: This sequence change replaces tyrosine, which is neutral and polar, with phenylalanine, which is neutral and non-polar, at codon 711 of the COL6A2 protein (p.Tyr711Phe). This variant is not present in population databases (gnomAD no frequency). This variant has not been reported in the literature in individuals affected with COL6A2-related conditions. Advanced modeling of protein sequence and biophysical properties (such as structural, functional, and spatial information, amino acid conservation, physicochemical variation, residue mobility, and thermodynamic stability) performed at Invitae indicates that this missense variant is expected to disrupt COL6A2 protein function with a positive predictive value of 80%. In summary, the available evidence is currently insufficient to determine the role of this variant in disease. Therefore, it has been classified as a Variant of Uncertain Significance.

NM_001849.4(COL6A2):c.2132A>T (p.Tyr711Phe)

Gene: COL6A2 (collagen type VI alpha 2 chain; plus strand). Cytogenetic location: 21q22.3.
Variant type: single nucleotide variant.
Coding change: c.2132A>T on transcript NM_001849.4 (MANE Select); coding-DNA position 2132, A replaced by T.
Protein change: p.Tyr711Phe; replaces tyrosine 711 with phenylalanine.
Molecular consequence: missense variant.
Genome position (GRCh38, 1-based): chr21:46,125,947, A>T. VCF-style: chr21-46125947-A-T. GRCh37 (hg19) VCF-style: chr21-47545861-A-T.
Other names: c.2132A>T, p.Tyr711Phe (NM_058174.3, NM_058175.3); short protein forms Y711F.
Identifiers: ClinVar variation 2710170 (VCV002710170.3), dbSNP rs764049482, ClinGen allele CA410541674.